The following is an entry in ClinVar:

NM_004525.3(LRP2):c.12556C>T (p.Gln4186Ter)

Gene: LRP2 (LDL receptor related protein 2; minus strand). Cytogenetic location: 2q31.1.
Variant type: single nucleotide variant.
Coding change: c.12556C>T on transcript NM_004525.3 (MANE Select); coding-DNA position 12556, C replaced by T.
Protein change: p.Gln4186Ter; replaces glutamine 4186 with a stop codon.
Molecular consequence: nonsense.
Genome position (GRCh38, 1-based): chr2:169,150,932, G>A on the plus strand (C>T on the coding strand, the complement: LRP2 is on the minus strand). VCF-style: chr2-169150932-G-A. GRCh37 (hg19) VCF-style: chr2-170007442-G-A.
Other names: short protein forms Q4186*.
Identifiers: ClinVar variation 1455766 (VCV001455766.6), dbSNP rs1686095309, ClinGen allele CA349133766.

ClinVar aggregate classification (germline): Pathogenic (1 of 4 stars; one submission).

Submission:

Labcorp Genetics (formerly Invitae), Labcorp
Classification: Pathogenic. Last evaluated: 2021-04-21. Review status: criteria provided, single submitter. Criteria: Invitae Variant Classification Sherloc (09022015). Collection method: clinical testing. Allele origin: germline.
Comment: This sequence change creates a premature translational stop signal (p.Gln4186*) in the LRP2 gene. It is expected to result in an absent or disrupted protein product. Loss-of-function variants in LRP2 are known to be pathogenic (PMID: 17632512, 25682901). This variant is not present in population databases (ExAC no frequency). For these reasons, this variant has been classified as Pathogenic. This variant has not been reported in the literature in individuals with LRP2-related conditions.

Literature cited by the submitters: PubMed 17632512; PubMed 25682901.